The following is an entry in ClinVar:

NM_000038.6(APC):c.1409-20T>C

Gene: APC (APC regulator of Wnt signaling pathway; plus strand). Cytogenetic location: 5q22.2.
Variant type: single nucleotide variant.
Coding change: c.1409-20T>C on transcript NM_000038.6 (MANE Select); 20 bases into the intron before coding-DNA position 1409, T replaced by C.
Molecular consequence: intron variant.
Genome position (GRCh38, 1-based): chr5:112,827,088, T>C. VCF-style: chr5-112827088-T-C. GRCh37 (hg19) VCF-style: chr5-112162785-T-C.
Other names: c.1334-20T>C (NM_001354898.2); c.1031-20T>C (NM_001354904.2); c.1325-20T>C (NM_001354899.2); c.560-20T>C (NM_001354906.2); c.1286-20T>C (NM_001354900.2); c.1463-20T>C (NM_001354896.2); c.1106-20T>C (NM_001354903.2); c.1409-20T>C (NM_001354895.2, NM_001127510.3); and 5 more.
Identifiers: ClinVar variation 490201 (VCV000490201.12), dbSNP rs775635324, ClinGen allele CA027524.

ClinVar aggregate classification (germline): Likely benign. Review status: criteria provided, multiple submitters, no conflicts (2 of 4 stars). 3 submissions from 3 submitters: Likely benign (3). Last evaluated 2025-08-13.

Conditions:
Familial adenomatous polyposis 1 (FAP1). Also called: POLYPOSIS, ADENOMATOUS INTESTINAL; FAMILIAL ADENOMATOUS POLYPOSIS 1, ATTENUATED. Identifiers: MedGen C2713442, MONDO:0021056, OMIM 175100. Disease mechanism: loss of function.
Hereditary cancer-predisposing syndrome. Also called: Hereditary Cancer Syndrome; Neoplastic Syndromes, Hereditary; Tumor predisposition; Hereditary neoplastic syndrome. Identifiers: Orphanet 140162, MedGen C0027672, MeSH D009386, MONDO:0015356.

Allele frequency attached by ClinVar (database versions not stated): gnomAD exomes below 0.00001; ExAC 0.00001.
gnomAD v4.1: 3 of 1,613,136 alleles (0.00019%); highest among the groups gnomAD compares: South Asian, 0.0011%; no homozygotes.

Submissions (3):

Labcorp Genetics (formerly Invitae), Labcorp
Classification: Likely benign for Familial adenomatous polyposis 1. Last evaluated: 2025-08-13. Review status: criteria provided, single submitter. Criteria: Invitae Variant Classification Sherloc (09022015). Collection method: clinical testing. Allele origin: germline.

Myriad Genetics, Inc.
Classification: Likely benign for Familial adenomatous polyposis 1. Last evaluated: 2024-03-01. Review status: criteria provided, single submitter. Criteria: Myriad Autosomal Dominant, Autosomal Recessive and X-Linked Classification Criteria (2023). Collection method: clinical testing. Allele origin: unknown.
Comment: This variant is considered likely benign. This variant is intronic and is not expected to impact mRNA splicing.

Color Diagnostics, LLC DBA Color Health
Classification: Likely benign for Hereditary cancer-predisposing syndrome. Last evaluated: 2017-09-12. Review status: criteria provided, single submitter. Criteria: ACMG Guidelines, 2015. Collection method: clinical testing. Allele origin: germline.